The following is an entry in ClinVar:

NM_000179.3(MSH6):c.489T>A (p.Gly163=)

Gene: MSH6 (mutS homolog 6; plus strand). Cytogenetic location: 2p16.3.
Variant type: single nucleotide variant.
Coding change: c.489T>A on transcript NM_000179.3 (MANE Select); coding-DNA position 489, T replaced by A.
Protein change: p.Gly163=; no amino-acid change (glycine 163 retained).
Molecular consequence: synonymous variant. On other transcripts: 5 prime UTR variant (1), intron variant (2).
Genome position (GRCh38, 1-based): chr2:47,795,925, T>A. VCF-style: chr2-47795925-T-A. GRCh37 (hg19) VCF-style: chr2-48023064-T-A.
Other names: c.-414T>A (NM_001281494.2); c.-279-2686T>A (NM_001281493.2); c.238-2686T>A (NM_001281492.2).
Identifiers: ClinVar variation 483826 (VCV000483826.18), dbSNP rs745399921, ClinGen allele CA425992700.

ClinVar aggregate classification (germline): Benign/Likely benign. Review status: criteria provided, multiple submitters, no conflicts (2 of 4 stars). 6 submissions from 6 submitters: Benign (1); Likely benign (5). Last evaluated 2025-02-26.

Conditions:
Hereditary nonpolyposis colorectal neoplasms. Identifiers: MedGen C0009405, MeSH D003123.
Hereditary cancer-predisposing syndrome. Also called: Neoplastic Syndromes, Hereditary; Tumor predisposition; Hereditary Cancer Syndrome; Hereditary neoplastic syndrome. Identifiers: Orphanet 140162, MedGen C0027672, MeSH D009386, MONDO:0015356.
Lynch syndrome. Identifiers: Orphanet 144, MedGen C4552100, MONDO:0005835. Disease mechanism: loss of function.
Lynch syndrome 5 (LYNCH5). Also called: Colorectal cancer, hereditary nonpolyposis, type 5; Hereditary non-polyposis colorectal cancer, type 5. Identifiers: Orphanet 144, MedGen C1833477, MONDO:0013710, OMIM 614350. Disease mechanism: loss of function.

Allele frequency attached by ClinVar (database versions not stated): TOPMed 0.00001.

Submissions (6):

Labcorp Genetics (formerly Invitae), Labcorp
Classification: Likely benign for Hereditary nonpolyposis colorectal neoplasms. Last evaluated: 2025-02-26. Review status: criteria provided, single submitter. Criteria: Invitae Variant Classification Sherloc (09022015). Collection method: clinical testing. Allele origin: germline.

Myriad Genetics, Inc.
Classification: Benign for Lynch syndrome 5. Last evaluated: 2024-12-18. Review status: criteria provided, single submitter. Criteria: Myriad Autosomal Dominant, Autosomal Recessive and X-Linked Classification Criteria (2023). Collection method: clinical testing. Allele origin: unknown.
Comment: This variant is considered benign. This variant is a silent/synonymous amino acid change and it is not expected to impact splicing.

All of Us Research Program, National Institutes of Health
Classification: Likely benign for Lynch syndrome. Last evaluated: 2023-12-13. Review status: criteria provided, single submitter. Criteria: ACMG Guidelines, 2015. Collection method: clinical testing. Allele origin: germline. Inheritance: Autosomal dominant inheritance. Observed: 1 variant allele, 1 heterozygote.
Comment: This study involves interpretation of variants in research participants for the purpose of population health screening. Participant phenotype was not available at the time of variant classification. Additional details can be found in publication PMID: 35346344, PMCID: PMC8962531

Color Diagnostics, LLC DBA Color Health
Classification: Likely benign for Hereditary cancer-predisposing syndrome. Last evaluated: 2023-03-06. Review status: criteria provided, single submitter. Criteria: ACMG Guidelines, 2015. Collection method: clinical testing. Allele origin: germline.

Women's Health and Genetics/Laboratory Corporation of America, LabCorp
Classification: Likely benign. Last evaluated: 2022-12-11. Review status: criteria provided, single submitter. Criteria: LabCorp Variant Classification Summary - May 2015. Collection method: clinical testing. Allele origin: germline.

Ambry Genetics
Classification: Likely benign for Hereditary cancer-predisposing syndrome. Last evaluated: 2016-11-28. Review status: criteria provided, single submitter. Criteria: Ambry Variant Classification Scheme 2023. Collection method: clinical testing. Allele origin: germline.